The following is an entry in ClinVar:

NM_000243.3(MEFV):c.910G>A (p.Gly304Arg)

Gene: MEFV (MEFV innate immunity regulator, pyrin; minus strand). Cytogenetic location: 16p13.3.
Variant type: single nucleotide variant.
Coding change: c.910G>A on transcript NM_000243.3 (MANE Select); coding-DNA position 910, G replaced by A.
Protein change: p.Gly304Arg; replaces glycine 304 with arginine.
Molecular consequence: missense variant. On other transcripts: intron variant (1).
Genome position (GRCh38, 1-based): chr16:3,254,158, C>T on the plus strand (G>A on the coding strand, the complement: MEFV is on the minus strand). VCF-style: chr16-3254158-C-T. GRCh37 (hg19) VCF-style: chr16-3304158-C-T.
Other names: c.277+2153G>A (NM_001198536.2); short protein forms G304R.
Identifiers: ClinVar variation 36513 (VCV000036513.103), dbSNP rs75977701, ClinGen allele CA280280.

ClinVar aggregate classification (germline): Conflicting classifications of pathogenicity. Review status: criteria provided, conflicting classifications (1 of 4 stars). 15 submissions from 15 submitters: Uncertain significance (5); Benign (2); Likely benign (2). 6 of the submissions do not count toward it. Last evaluated 2026-02-01.

Conditions:
MEFV-related disorder. Also called: MEFV-related disorders; MEFV-related condition.
Autoinflammatory syndrome. Identifiers: Orphanet 93665, MedGen C3890737, MONDO:0019751.
Familial Mediterranean fever (FMF). Also called: Periodic peritonitis; Benign paroxysmal peritonitis; POLYSEROSITIS, FAMILIAL PAROXYSMAL; POLYSEROSITIS, RECURRENT. Identifiers: Orphanet 342, MedGen C0031069, MONDO:0018088, OMIM 249100. Disease mechanism: gain of function.

Allele frequency attached by ClinVar (database versions not stated): ESP Exome Variant Server 0.00015; TOPMed 0.00138; gnomAD 0.00316 and 0.00336; ExAC 0.00436; gnomAD exomes 0.00458; 1000 Genomes Project 30x 0.00640; 1000 Genomes Project 0.00739.
gnomAD v4.1: 3,576 of 1,613,990 alleles (0.22%); highest among the groups gnomAD compares: East Asian, 2.2%; 35 homozygotes.

Submissions 1 to 8 of 28:

Labcorp Genetics (formerly Invitae), Labcorp
Classification: Benign for Familial Mediterranean fever. Last evaluated: 2026-02-01. Review status: criteria provided, single submitter. Criteria: Invitae Variant Classification Sherloc (09022015). Collection method: clinical testing. Allele origin: germline.

Mayo Clinic Laboratories, Mayo Clinic
Classification: Likely benign. Last evaluated: 2025-04-02. Review status: criteria provided, single submitter. Criteria: ACMG Guidelines, 2015. Collection method: clinical testing. Allele origin: germline. Observed: 4 variant alleles.

Women's Health and Genetics/Laboratory Corporation of America, LabCorp
Classification: Likely benign. Last evaluated: 2025-02-28. Review status: criteria provided, single submitter. Criteria: LabCorp Variant Classification Summary - May 2015. Collection method: clinical testing. Allele origin: germline.
Comment: Variant summary: MEFV c.910G>A (p.Gly304Arg) results in a non-conservative amino acid change in the encoded protein sequence. Four of five in-silico tools predict a benign effect of the variant on protein function. The variant also alters a non-conserved nucleotide, positioned as the last nucleotide of exon 2 adjacent to the canonical splice donor site of intron 2. Several computational tools predict a significant impact on normal splicing: Two predict the variant abolishes the canonical 5' splicing donor site. Two predict the variant weakens the canonical 5' splicing donor site. These predictions are supported by at least one publication which demonstrated that the variant increases the in-frame skipping of exon 2 in patients PBMCs, due to enhanced alternative splicing (Tone_2012). Authors transfected the normal and variant MEFV genes into HEK293T (embryonic kidney origin) cells, however the transfectants (i.e. both the full-length mutant containing the G304R missense change, and the exon 2 deleted short isoform) failed to show altered intracellular pyrin distribution in this cell type. As the cell system used by the authors may not represent a physiological cell type, the functional significance of this variant remains unclear at the cellular and/or organismal level. The variant allele was found at a frequency of 0.0046 in 250756 control chromosomes, predominantly at a frequency of 0.018 within the East Asian subpopulation in the gnomAD database, including 12 homozygotes. Additionally, the variant was reported with even higher frequencies in the 1000 Genomes Project within some East Asian subpopulations (e.g. in Chinese Dai in Xishuangbanna (CDX) 5.4%, Han Chinese in Beijing (CHB) 2.4%, Japanese in Tokyo (JPT) 2.9%, Kinh in Ho Chi Minh City in Vietnam (KHV) 2.5%), suggesting this variant is likely a benign polymorphism (Moradian_2017). Though the variant, c.910G>A, has been reported in the literature in individuals affected with Familial Mediterranean Fever (FMF) (example, Arasawa_2012, Comak_2013, Coskun_2015, Ebrahmi-Fakhari_2012, Fujikawa_2014, Gunesacar_2014, Jo_2015, Kishida_2014, Migita_2012, Migita_2014, Migita_2013, Oshima_2010, Tone_2012, Yoshioka_2014, Migita_2016, Moritake_2016, Erdem_2017, Ebadi_2017, Hara_2018, Dundar_2022), a recent study evaluating the prevalence of the disease in the Japanese population (Migita_2016) found similar allele frequencies among FMF patients (2.9%; 11/384 alleles) and healthy subjects (2.9%; 6/210 alleles). This frequency among healthy Japanese controls is comparable to that reported in large Japanese control population databases (i.e. 2.6% in jMorp, and 2% in HGVD). A functional study analyzed the effects of certain MEFV variants on cell death with or without stimulation with Clostridium difficile toxin A (TcdA) or UCN-01A and concluded that p.Gly304Arg conferred no substantial increase in cell death (Honda_2021). Additionally, in 2018 the experts international study group for systemic autoinflammatory diseases (INSAID) reported a validated classification of likely benign for the variant (Van Gijn_2018). The following publications have been ascertained in the context of this evaluation (PMID: 23217869, 23588594, 25703702, 35098403, 28943464, 23137073, 28863210, 24965843, 24929125, 30235678, 33733382, 25671271, 25261100, 22467954, 24261781, 23437051, 29178647, 26933204, 25286988, 19967574, 23847694, 21562927, 29599418, 25088882, MIGITA_2016). ClinVar contains an entry for this variant (Variation ID: 36513). Based on the evidence outlined above, the variant was classified as likely benign.

GeneDx
Classification: Uncertain significance. Last evaluated: 2025-02-20. Review status: criteria provided, single submitter. Criteria: GeneDx Variant Classification Process June 2021. Collection method: clinical testing. Allele origin: germline. Affected: yes.
Comment: Reported in the presence of other MEFV variants in individuals with familial Mediterranean fever or unexplained fevers in published literature; however, many of these variants are of uncertain clinical significance (PMID: 25261100, 22467954); Published functional studies suggest that variant alters gene splicing with skipping of exon 2, while the functional consequences of the resulting truncated protein product remain unknown and loss-of-function is not an established mechanism of disease (PMID: 21562927); Observed in cis with a pathogenic MEFV variant in at least one family referred for genetic testing at GeneDx; In silico analysis supports a deleterious effect on splicing; This variant is associated with the following publications: (PMID: 28943464, 28863210, 32398039, 31401792, 23847694, 26933204, 23437051, 24965843, 24261781, 25525159, 25671271, 24929125, 19967574, 23588594, 23217869, 25286988, 25088882, 22467954, 25703702, 23137073, 30235678, 31155445, 31494649, 31682063, 32082075, 29178647, 31998953, 31989427, 31803701, 32824452, 31342094, 32115236, 33974187, Sargin[case report], 34177904, Tomokawa[other], 33042144, 33733382, 34904166, 21562927, 25261100)

CeGaT Center for Human Genetics Tuebingen
Classification: Benign. Last evaluated: 2024-11-01. Review status: criteria provided, single submitter. Criteria: CeGaT Center For Human Genetics Tuebingen Variant Classification Criteria Version 2. Collection method: clinical testing. Allele origin: germline. Affected: yes. Observed: 3 variant alleles.
Comment: MEFV: PP3, BS1, BS2

Genomic Medicine Center of Excellence, King Faisal Specialist Hospital and Research Centre
Classification: Uncertain significance for Familial Mediterranean fever. Last evaluated: 2024-03-26. Review status: criteria provided, single submitter. Criteria: ACMG Guidelines, 2015. Collection method: clinical testing. Allele origin: germline.

ARUP Laboratories, Molecular Genetics and Genomics, ARUP Laboratories
Classification: Uncertain significance. Last evaluated: 2023-04-20. Review status: criteria provided, single submitter. Criteria: ARUP Molecular Germline Variant Investigation Process 2024. Collection method: clinical testing. Allele origin: germline.
Comment: The MEFV c.910G>A; p.Gly304Arg variant (rs75977701) is reported in the literature in individuals affected with atypical familial Mediterranean fever (Arasawa 2012, Gunesacar 2014, Kishida 2014, Migita 2014), but also in healthy controls (Migita 2012, Nonaka 2015, Oshima 2010, Taniuchi 2013). This variant is reported with conflicting interpretations of pathogenicity in ClinVar (Variation ID: 36513), and is found in the general population with an overall allele frequency of 0.47% (1318/281346 alleles, including 12 homozygotes), with an increased frequency in the Finnish European population of 2.7% (686/25046 alleles) in the Genome Aggregation Database. Computational analyses predict that this variant is neutral (REVEL: 0.055). However, this variant resides in the last nucleotide of exon 2, and is predicted to disrupt the canonical splice donor site (Alamut v.2.11), with functional studies supporting a negative impact on gene function (Tone 2012). Due to conflicting information, the clinical significance of the p.Gly304Arg variant is uncertain at this time. References: Arasawa S et al. Mediterranean mimicker. Lancet. 2012 380(9858):2052. PMID: 23217869. Gunesacar R et al. Frequency of MEFV gene mutations in Hatay province, Mediterranean region of Turkey and report of a novel missense mutation (I247V). Gene. 2014 546(2):195-9. PMID: 24929125. Kishida D et al. Genotype-phenotype correlation in Japanese patients with familial Mediterranean fever: differences in genotype and clinical features between Japanese and Mediterranean populations. Arthritis Res Ther. 2014 16(5):439. PMID: 25261100. Migita K et al. Clinical relevance of MEFV gene mutations in Japanese patients with unexplained fever. J Rheumatol. 2012 Apr;39(4):875-7. PMID: 22467954. Migita K et al. Coexistence of familial Mediterranean fever and rheumatoid arthritis. Mod Rheumatol. 2014 24(1): 212-6. PMID: 24261781. Nonaka F et al. Increased prevalence of MEFV exon 10 variants in Japanese patients with adult-onset Still's disease. Clin Exp Immunol. 2015 Mar;179(3):392-7. PMID: 25286988. Oshima K et al. A case of familial Mediterranean fever associated with compound heterozygosity for the pyrin variant L110P-E148Q/M680I in Japan. Mod Rheumatol. 2010 Apr;20(2):193-5. PMID: 19967574. Taniuchi S et al. MEFV Variants in Patients with PFAPA Syndrome in Japan. Open Rheumatol J. 2013 7:22-5. PMID: 23847694. Tone Y et al. Enhanced exon 2 skipping caused by c.910G>A variant and alternative splicing of MEFV genes in two independent cases of familial Mediterranean fever. Mod Rheumatol. 2012 22(1):45-51. PMID: 21562927.

Revvity Omics, Revvity
Classification: Uncertain significance. Last evaluated: 2022-04-26. Review status: criteria provided, single submitter. Criteria: ACMG Guidelines, 2015. Collection method: clinical testing. Allele origin: germline.